The following is an entry in ClinVar:

NM_004208.4(AIFM1):c.497C>T (p.Pro166Leu)

Genes: AIFM1 (apoptosis inducing factor mitochondria associated 1; minus strand), RAB33A (RAB33A, member RAS oncogene family; plus strand). Cytogenetic location: Xq26.1.
Variant type: single nucleotide variant.
Coding change: c.497C>T on transcript NM_004208.4 (MANE Select); coding-DNA position 497, C replaced by T.
Protein change: p.Pro166Leu; replaces proline 166 with leucine.
Molecular consequence: missense variant. On other transcripts: non-coding transcript variant (1).
Genome position (GRCh38, 1-based): chrX:130,147,601, G>A on the plus strand (C>T on the coding strand, the complement: AIFM1 is on the minus strand). VCF-style: chrX-130147601-G-A. GRCh37 (hg19) VCF-style: chrX-129281576-G-A.
Other names: c.497C>T (NM_004208.3); c.497C>T, p.Pro166Leu (NM_001130847.4); c.485C>T, p.Pro162Leu (NM_145812.3); short protein forms P162L, P166L.
Identifiers: ClinVar variation 161811 (VCV000161811.5), dbSNP rs193920813, ClinGen allele CA174829.

ClinVar aggregate classification (germline): Uncertain significance. Review status: criteria provided, multiple submitters, no conflicts (2 of 4 stars). 3 submissions from 3 submitters: Uncertain significance (2). 1 of the submissions does not count toward it. Last evaluated 2024-09-03.

Conditions:
Charcot-Marie-Tooth Neuropathy X. Identifiers: MedGen CN118851.
Combined oxidative phosphorylation deficiency. Identifiers: MedGen C4540031, MONDO:0000732.
Prostate cancer. Also called: Malignant tumor of prostate. Identifiers: Orphanet 1331, MedGen C0376358, MONDO:0008315, HP:0012125.

Allele frequency attached by ClinVar (database versions not stated): gnomAD exomes below 0.00001.
gnomAD v4.1: 1 of 1,212,028 alleles (0.000083%); highest among the groups gnomAD compares: Non-Finnish European, 0.00011%; no homozygotes.

Submissions (3):

Labcorp Genetics (formerly Invitae), Labcorp
Classification: Uncertain significance for Charcot-Marie-Tooth Neuropathy X; Combined oxidative phosphorylation deficiency. Last evaluated: 2024-09-03. Review status: criteria provided, single submitter. Criteria: Invitae Variant Classification Sherloc (09022015). Collection method: clinical testing. Allele origin: germline.
Comment: This sequence change replaces proline, which is neutral and non-polar, with leucine, which is neutral and non-polar, at codon 166 of the AIFM1 protein (p.Pro166Leu). This variant is not present in population databases (gnomAD no frequency). This variant has not been reported in the literature in individuals affected with AIFM1-related conditions. ClinVar contains an entry for this variant (Variation ID: 161811). Invitae Evidence Modeling of protein sequence and biophysical properties (such as structural, functional, and spatial information, amino acid conservation, physicochemical variation, residue mobility, and thermodynamic stability) has been performed for this missense variant. However, the output from this modeling did not meet the statistical confidence thresholds required to predict the impact of this variant on AIFM1 protein function. In summary, the available evidence is currently insufficient to determine the role of this variant in disease. Therefore, it has been classified as a Variant of Uncertain Significance.

GeneDx
Classification: Uncertain significance. Last evaluated: 2023-10-24. Review status: criteria provided, single submitter. Criteria: GeneDx Variant Classification Process June 2021. Collection method: clinical testing. Allele origin: germline. Affected: yes.
Comment: Not observed at significant frequency in large population cohorts (gnomAD); In silico analysis supports that this missense variant has a deleterious effect on protein structure/function; Has not been previously published as pathogenic or benign to our knowledge; This variant is associated with the following publications: (PMID: 23265383)

Science for Life laboratory,  Karolinska Institutet
Classification: Uncertain significance for Malignant tumor of prostate. Review status: no assertion criteria provided. Collection method: not provided. Allele origin: somatic. Not counted in ClinVar's aggregate classification.
Comment: TumorID:SWE-12B
ClinVar note: Converted during submission from Unknown to Uncertain significance.